The following is an entry in ClinVar:

ClinVar aggregate classification (germline): Uncertain significance. Review status: criteria provided, multiple submitters, no conflicts (2 of 4 stars). 3 submissions from 3 submitters: Uncertain significance (2). 1 of the submissions does not count toward it. Last evaluated 2025-06-13.

Conditions:
Wilson disease (WND). Also called: Wilson's disease. Identifiers: Orphanet 905, MedGen C0019202, MONDO:0010200, OMIM 277900. Disease mechanism: loss of function.

Allele frequency attached by ClinVar (database versions not stated): gnomAD exomes below 0.00001; TOPMed 0.00001.
gnomAD v4.1: 7 of 1,614,254 alleles (0.00043%); highest among the groups gnomAD compares: South Asian, 0.0011%; no homozygotes.

Submissions (3):

Color Diagnostics, LLC DBA Color Health
Classification: Uncertain significance for Wilson disease. Last evaluated: 2025-06-13. Review status: criteria provided, single submitter. Criteria: ACMG Guidelines, 2015. Collection method: clinical testing. Allele origin: germline.
Comment: This variant causes an A to G nucleotide substitution at the +3 position of intron 17 of the ATP7B gene. Splice site prediction tools are inconclusive regarding the impact of this variant on RNA splicing. To our knowledge, RNA studies have not been reported for this variant. This variant has not been reported in individuals affected with Wilson disease in the literature. This variant has been identified in 1/249560 chromosomes in the general population by the Genome Aggregation Database (gnomAD). The available evidence is insufficient to determine the role of this variant in disease conclusively. Therefore, this variant is classified as a Variant of Uncertain Significance.

Labcorp Genetics (formerly Invitae), Labcorp
Classification: Uncertain significance for Wilson disease. Last evaluated: 2024-01-18. Review status: criteria provided, single submitter. Criteria: Invitae Variant Classification Sherloc (09022015). Collection method: clinical testing. Allele origin: germline.
Comment: This sequence change falls in intron 17 of the ATP7B gene. It does not directly change the encoded amino acid sequence of the ATP7B protein. It affects a nucleotide within the consensus splice site. This variant is present in population databases (no rsID available, gnomAD 0.003%). This variant has not been reported in the literature in individuals affected with ATP7B-related conditions. ClinVar contains an entry for this variant (Variation ID: 991415). Variants that disrupt the consensus splice site are a relatively common cause of aberrant splicing (PMID: 17576681, 9536098). Algorithms developed to predict the effect of sequence changes on RNA splicing suggest that this variant may disrupt the consensus splice site. In summary, the available evidence is currently insufficient to determine the role of this variant in disease. Therefore, it has been classified as a Variant of Uncertain Significance.

Natera, Inc.
Classification: Uncertain significance for Wilson disease. Last evaluated: 2020-04-15. Review status: no assertion criteria provided. Collection method: clinical testing. Allele origin: germline. Not counted in ClinVar's aggregate classification.

Literature cited by the submitters: PubMed 17576681 (cited by Labcorp Genetics (formerly Invitae), Labcorp); PubMed 9536098 (cited by Labcorp Genetics (formerly Invitae), Labcorp).

NM_000053.4(ATP7B):c.3699+3A>G

Gene: ATP7B (ATPase copper transporting beta; minus strand). Cytogenetic location: 13q14.3.
Variant type: single nucleotide variant.
Coding change: c.3699+3A>G on transcript NM_000053.4 (MANE Select); 3 bases into the intron after coding-DNA position 3699, A replaced by G.
Molecular consequence: intron variant.
Genome position (GRCh38, 1-based): chr13:51,939,048, T>C on the plus strand (A>G on the coding strand, the complement: ATP7B is on the minus strand). VCF-style: chr13-51939048-T-C. GRCh37 (hg19) VCF-style: chr13-52513184-T-C.
Other names: c.3366+3A>G (NM_001243182.2); c.3078+3A>G (NM_001005918.3); c.3447+3A>G (NM_001330579.2); c.3465+3A>G (NM_001330578.2).
Identifiers: ClinVar variation 991415 (VCV000991415.5), dbSNP rs1459548901, ClinGen allele CA609963162.